The following is an entry in ClinVar:

ClinVar aggregate classification (germline): Benign/Likely benign. Review status: criteria provided, multiple submitters, no conflicts (2 of 4 stars). 2 submissions from 2 submitters: Benign (1); Likely benign (1). Last evaluated 2026-09-21.

Allele frequency attached by ClinVar (database versions not stated): gnomAD 0.01064 and 0.00985; 1000 Genomes Project 0.01038; TOPMed 0.01124; 1000 Genomes Project 30x 0.01093.
gnomAD v4.1: 2,883 of 1,499,560 alleles (0.19%); highest among the groups gnomAD compares: African/African-American, 3.3%; 39 homozygotes.

Submissions (2):

Molecular Diagnostic Laboratory for Inherited Cardiovascular Disease, Montreal Heart Institute
Classification: Benign. Last evaluated: 2026-09-21. Review status: criteria provided, single submitter. Criteria: ACMG Guidelines, 2015. Collection method: clinical testing. Allele origin: germline. Affected: no.

GeneDx
Classification: Likely benign. Last evaluated: 2018-06-14. Review status: criteria provided, single submitter. Criteria: GeneDx Variant Classification (06012015). Collection method: clinical testing. Allele origin: germline. Affected: yes.
Comment: This variant is considered likely benign or benign based on one or more of the following criteria: it is a conservative change, it occurs at a poorly conserved position in the protein, it is predicted to be benign by multiple in silico algorithms, and/or has population frequency not consistent with disease.

NM_001276345.2(TNNT2):c.810+65G>A

Gene: TNNT2 (troponin T2, cardiac type; minus strand). Cytogenetic location: 1q32.1.
Variant type: single nucleotide variant.
Coding change: c.810+65G>A on transcript NM_001276345.2 (MANE Select); 65 bases into the intron after coding-DNA position 810, G replaced by A.
Molecular consequence: intron variant.
Genome position (GRCh38, 1-based): chr1:201,361,214, C>T on the plus strand (G>A on the coding strand, the complement: TNNT2 is on the minus strand). VCF-style: chr1-201361214-C-T. GRCh37 (hg19) VCF-style: chr1-201330342-C-T.
Other names: c.780+65G>A (NM_001001430.2, NM_001001430.3, NM_001276347.2); c.762+65G>A (NM_001001432.3); c.771+65G>A (NM_001001431.3); c.681+65G>A (NM_001276346.2); c.801+65G>A (NM_000364.4).
Identifiers: ClinVar variation 671446 (VCV000671446.2), dbSNP rs45517846, ClinGen allele CA35417822.